The following is an entry in ClinVar:

ClinVar aggregate classification (germline): Uncertain significance (1 of 4 stars; one submission).

Conditions:
Ichthyosis linearis circumflexa. Identifiers: MedGen C0265962, MONDO:0043106, HP:0025810.

Allele frequency attached by ClinVar (database versions not stated): gnomAD exomes 0.00001; ExAC 0.00002; TOPMed 0.00002; gnomAD 0.00004.
gnomAD v4.1: 19 of 1,613,804 alleles (0.0012%); highest among the groups gnomAD compares: Middle Eastern, 0.016%; no homozygotes.

Submission:

Labcorp Genetics (formerly Invitae), Labcorp
Classification: Uncertain significance for Ichthyosis linearis circumflexa. Last evaluated: 2025-12-08. Review status: criteria provided, single submitter. Criteria: Invitae Variant Classification Sherloc (09022015). Collection method: clinical testing. Allele origin: germline.
Comment: This sequence change replaces aspartic acid, which is acidic and polar, with asparagine, which is neutral and polar, at codon 1017 of the SPINK5 protein (p.Asp1017Asn). This variant is present in population databases (rs560325947, gnomAD 0.008%). This variant has not been reported in the literature in individuals affected with SPINK5-related conditions. ClinVar contains an entry for this variant (Variation ID: 1038255). An algorithm developed to predict the effect of missense changes on protein structure and function outputs the following: PolyPhen-2: "Probably Damaging". The asparagine amino acid residue is found in multiple mammalian species, which suggests that this missense change does not adversely affect protein function. In summary, the available evidence is currently insufficient to determine the role of this variant in disease. Therefore, it has been classified as a Variant of Uncertain Significance.

NM_006846.4(SPINK5):c.3049G>A (p.Asp1017Asn)

Gene: SPINK5 (serine peptidase inhibitor Kazal type 5; plus strand). Cytogenetic location: 5q32.
Variant type: single nucleotide variant.
Coding change: c.3049G>A on transcript NM_006846.4 (MANE Select); coding-DNA position 3049, G replaced by A.
Protein change: p.Asp1017Asn; replaces aspartic acid 1017 with asparagine.
Molecular consequence: missense variant.
Genome position (GRCh38, 1-based): chr5:148,131,343, G>A. VCF-style: chr5-148131343-G-A. GRCh37 (hg19) VCF-style: chr5-147510906-G-A.
Other names: c.3139G>A, p.Asp1047Asn (NM_001127698.2); short protein forms D1047N, D1017N.
Identifiers: ClinVar variation 1038255 (VCV001038255.9), dbSNP rs560325947, ClinGen allele CA3496228.